The following is an entry in ClinVar:

NM_000081.4(LYST):c.727G>A (p.Ala243Thr)

Gene: LYST (lysosomal trafficking regulator; minus strand). Cytogenetic location: 1q42.3.
Variant type: single nucleotide variant.
Coding change: c.727G>A on transcript NM_000081.4 (MANE Select); coding-DNA position 727, G replaced by A.
Protein change: p.Ala243Thr; replaces alanine 243 with threonine.
Molecular consequence: missense variant.
Genome position (GRCh38, 1-based): chr1:235,810,091, C>T on the plus strand (G>A on the coding strand, the complement: LYST is on the minus strand). VCF-style: chr1-235810091-C-T. GRCh37 (hg19) VCF-style: chr1-235973391-C-T.
Other names: c.727G>A, p.Ala243Thr (NM_001301365.1); short protein forms A243T.
Identifiers: ClinVar variation 2829166 (VCV002829166.3), dbSNP rs779576993, ClinGen allele CA344964521.
Genomic context (GRCh38, chr1:235,810,091, plus strand): 5'-ATAACAAAACATGACATAAGTCAAATGGAGAATTGTTCATGTTACTGATAACAGACAAGG[C>T]AGCTGGCTCACTTAAAATGTCAGTGTTTGACCCCTGTCTTGGAATAATCTCTCTGGAATT-3'
Protein context (NP_000072.2, residues 233-253): SNTDILSEPA[Ala243Thr]LSVISNMNNS

ClinVar aggregate classification (germline): Uncertain significance (1 of 4 stars; one submission).

Conditions:
Chédiak-Higashi syndrome (CHS). Also called: Chediak-Higashi Syndrome. Identifiers: Orphanet 167, MedGen C0007965, MONDO:0008963, OMIM 214500.

Submission:

Labcorp Genetics (formerly Invitae), Labcorp
Classification: Uncertain significance for Chédiak-Higashi syndrome. Last evaluated: 2023-01-17. Review status: criteria provided, single submitter. Criteria: Invitae Variant Classification Sherloc (09022015). Collection method: clinical testing. Allele origin: germline.
Comment: In summary, the available evidence is currently insufficient to determine the role of this variant in disease. Therefore, it has been classified as a Variant of Uncertain Significance. Advanced modeling of protein sequence and biophysical properties (such as structural, functional, and spatial information, amino acid conservation, physicochemical variation, residue mobility, and thermodynamic stability) performed at Invitae indicates that this missense variant is not expected to disrupt LYST protein function. This variant has not been reported in the literature in individuals affected with LYST-related conditions. This variant is not present in population databases (gnomAD no frequency). This sequence change replaces alanine, which is neutral and non-polar, with threonine, which is neutral and polar, at codon 243 of the LYST protein (p.Ala243Thr).